The following is an entry in ClinVar:

ClinVar aggregate classification (germline): Pathogenic (1 of 4 stars; one submission).

Conditions:
Wilson disease (WND). Also called: Wilson's disease. Identifiers: Orphanet 905, MedGen C0019202, MONDO:0010200, OMIM 277900. Disease mechanism: loss of function.

Submission:

Labcorp Genetics (formerly Invitae), Labcorp
Classification: Pathogenic for Wilson disease. Last evaluated: 2022-10-14. Review status: criteria provided, single submitter. Criteria: Invitae Variant Classification Sherloc (09022015). Collection method: clinical testing. Allele origin: germline.
Comment: This variant is a gross deletion of the genomic region encompassing exon(s) 1 of the ATP7B gene, which includes the initiator codon. This deletion extends beyond the assayed region for this gene and therefore may encompass additional genes. It is expected to result in an absent or disrupted protein product. Loss-of-function variants in ATP7B are known to be pathogenic (PMID: 10441329, 16283883). This variant has not been reported in the literature in individuals affected with ATP7B-related conditions. For these reasons, this variant has been classified as Pathogenic.

Literature cited by the submitters: PubMed 10441329; PubMed 16283883.

NC_000013.11:g.(?_52011277)_(52029658_?)del

Genes: ALG11 (ALG11 alpha-1,2-mannosyltransferase; plus strand), ATP7B (ATPase copper transporting beta; minus strand), UTP14C (UTP14C small subunit processome component; plus strand). Cytogenetic location: 13q14.3.
Variant type: Deletion.
Identifiers: ClinVar variation 832302 (VCV000832302.2).